The following is an entry in ClinVar:

NM_000843.4(GRM6):c.2003T>A (p.Leu668Gln)

Genes: GRM6 (glutamate metabotropic receptor 6; minus strand), ZNF454 (zinc finger protein 454; plus strand). Cytogenetic location: 5q35.3.
Variant type: single nucleotide variant.
Coding change: c.2003T>A on transcript NM_000843.4 (MANE Select); coding-DNA position 2003, T replaced by A.
Protein change: p.Leu668Gln; replaces leucine 668 with glutamine.
Molecular consequence: missense variant.
Genome position (GRCh38, 1-based): chr5:178,986,251, A>T on the plus strand (T>A on the coding strand, the complement: GRM6 is on the minus strand). VCF-style: chr5-178986251-A-T. GRCh37 (hg19) VCF-style: chr5-178413252-A-T.
Other names: short protein forms L668Q.
Identifiers: ClinVar variation 1956199 (VCV001956199.6), dbSNP rs777168556, ClinGen allele CA3593862.

ClinVar aggregate classification (germline): Conflicting classifications of pathogenicity. Review status: criteria provided, conflicting classifications (1 of 4 stars). 2 submissions from 2 submitters: Likely pathogenic (1); Uncertain significance (1). Last evaluated 2025-08-26.

Allele frequency attached by ClinVar (database versions not stated): gnomAD 0.00001.
gnomAD v4.1: 9 of 1,614,030 alleles (0.00056%); highest among the groups gnomAD compares: Admixed American, 0.0033%; no homozygotes.

Submissions (2):

Labcorp Genetics (formerly Invitae), Labcorp
Classification: Likely pathogenic. Last evaluated: 2025-08-26. Review status: criteria provided, single submitter. Criteria: Invitae Variant Classification Sherloc (09022015). Collection method: clinical testing. Allele origin: germline.
Comment: This sequence change replaces leucine, which is neutral and non-polar, with glutamine, which is neutral and polar, at codon 668 of the GRM6 protein (p.Leu668Gln). This variant is present in population databases (rs777168556, gnomAD 0.007%). This variant has not been reported in the literature in individuals affected with GRM6-related conditions. ClinVar contains an entry for this variant (Variation ID: 1956199). Invitae Evidence Modeling of protein sequence and biophysical properties (such as structural, functional, and spatial information, amino acid conservation, physicochemical variation, residue mobility, and thermodynamic stability) indicates that this missense variant is expected to disrupt GRM6 protein function with a positive predictive value of 95%. This variant disrupts the p.Leu668 amino acid residue in GRM6. Other variant(s) that disrupt this residue have been determined to be pathogenic (PMID: 30718709; internal data). This suggests that this residue is clinically significant, and that variants that disrupt this residue are likely to be disease-causing. In summary, the currently available evidence indicates that the variant is pathogenic, but additional data are needed to prove that conclusively. Therefore, this variant has been classified as Likely Pathogenic.

Blueprint Genetics
Classification: Uncertain significance. Last evaluated: 2021-04-29. Review status: criteria provided, single submitter. Criteria: ACMG Guidelines, 2015. Collection method: clinical testing. Allele origin: germline.

Literature cited by the submitters: PubMed 30718709 (cited by Labcorp Genetics (formerly Invitae), Labcorp).